The following is an entry in ClinVar:

NM_147127.5(EVC2):c.1846G>A (p.Ala616Thr)

Gene: EVC2 (EvC ciliary complex subunit 2; minus strand). Cytogenetic location: 4p16.2.
Variant type: single nucleotide variant.
Coding change: c.1846G>A on transcript NM_147127.5 (MANE Select); coding-DNA position 1846, G replaced by A.
Protein change: p.Ala616Thr; replaces alanine 616 with threonine.
Molecular consequence: missense variant.
Genome position (GRCh38, 1-based): chr4:5,628,599, C>T on the plus strand (G>A on the coding strand, the complement: EVC2 is on the minus strand). VCF-style: chr4-5628599-C-T. GRCh37 (hg19) VCF-style: chr4-5630326-C-T.
Other names: c.1606G>A, p.Ala536Thr (NM_001166136.2); short protein forms A616T, A536T.
Identifiers: ClinVar variation 349078 (VCV000349078.13), dbSNP rs201201603, ClinGen allele CA2834922.

ClinVar aggregate classification (germline): Uncertain significance. Review status: criteria provided, multiple submitters, no conflicts (2 of 4 stars). 4 submissions from 4 submitters: Uncertain significance (4). Last evaluated 2024-04-29.

Conditions:
Ellis-van Creveld syndrome (EVC). Also called: EVC-Related Ellis-van Creveld Syndrome; EVC2-Related Ellis-van Creveld Syndrome; MESOECTODERMAL DYSPLASIA; Chondroectodermal dysplasia. Identifiers: Orphanet 289, MedGen C0013903, MONDO:0009162, OMIM 225500.
Inborn genetic diseases. Identifiers: MedGen C0950123, MeSH D030342.
Curry-Hall syndrome (WAD). Also called: WEYERS ACRODENTAL DYSOSTOSIS. Identifiers: Orphanet 952, MedGen C0457013, MONDO:0008673, OMIM 193530.

Allele frequency attached by ClinVar (database versions not stated): gnomAD exomes 0.00003 and 0.00008; ExAC 0.00007; gnomAD 0.00014 and 0.00016; ESP Exome Variant Server 0.00015; TOPMed 0.00016; 1000 Genomes Project 0.00020; 1000 Genomes Project 30x 0.00031.

Submissions (4):

Labcorp Genetics (formerly Invitae), Labcorp
Classification: Uncertain significance for Curry-Hall syndrome; Ellis-van Creveld syndrome. Last evaluated: 2024-04-29. Review status: criteria provided, single submitter. Criteria: Invitae Variant Classification Sherloc (09022015). Collection method: clinical testing. Allele origin: germline.
Comment: This sequence change replaces alanine, which is neutral and non-polar, with threonine, which is neutral and polar, at codon 616 of the EVC2 protein (p.Ala616Thr). This variant is present in population databases (rs201201603, gnomAD 0.05%). This variant has not been reported in the literature in individuals affected with EVC2-related conditions. ClinVar contains an entry for this variant (Variation ID: 349078). An algorithm developed to predict the effect of missense changes on protein structure and function (PolyPhen-2) suggests that this variant is likely to be disruptive. In summary, the available evidence is currently insufficient to determine the role of this variant in disease. Therefore, it has been classified as a Variant of Uncertain Significance.

Ambry Genetics
Classification: Uncertain significance for Inborn genetic diseases. Last evaluated: 2023-01-24. Review status: criteria provided, single submitter. Criteria: Ambry Variant Classification Scheme 2023. Collection method: clinical testing. Allele origin: germline.

Illumina Laboratory Services, Illumina
Classification: Uncertain significance for Ellis-van Creveld syndrome. Last evaluated: 2018-01-13. Review status: criteria provided, single submitter. Criteria: ICSL Variant Classification Criteria 13 December 2019. Collection method: clinical testing. Allele origin: germline.

Breakthrough Genomics
Classification: Uncertain significance. Review status: criteria provided, single submitter. Criteria: ACMG Guidelines, 2015. Collection method: not provided. Allele origin: germline. Inheritance: Autosomal recessive inheritance. Affected: yes.